The following is an entry in ClinVar:

ClinVar aggregate classification (germline): Uncertain significance (1 of 4 stars; one submission).

Conditions:
Myasthenic syndrome, congenital, 22 (CMS22). Also called: PREPL DEFICIENCY. Identifiers: MedGen C4479088, MONDO:0044299, OMIM 616224.

Allele frequency attached by ClinVar (database versions not stated): gnomAD exomes below 0.00001; gnomAD 0.00001; TOPMed 0.00001.

Submission:

Labcorp Genetics (formerly Invitae), Labcorp
Classification: Uncertain significance for Myasthenic syndrome, congenital, 22. Last evaluated: 2022-07-11. Review status: criteria provided, single submitter. Criteria: Invitae Variant Classification Sherloc (09022015). Collection method: clinical testing. Allele origin: germline.
Comment: This sequence change replaces glycine, which is neutral and non-polar, with serine, which is neutral and polar, at codon 523 of the PREPL protein (p.Gly523Ser). This variant is not present in population databases (gnomAD no frequency). This variant has not been reported in the literature in individuals affected with PREPL-related conditions. ClinVar contains an entry for this variant (Variation ID: 859290). Algorithms developed to predict the effect of missense changes on protein structure and function are either unavailable or do not agree on the potential impact of this missense change (SIFT: "Tolerated"; PolyPhen-2: "Probably Damaging"; Align-GVGD: "Class C0"). In summary, the available evidence is currently insufficient to determine the role of this variant in disease. Therefore, it has been classified as a Variant of Uncertain Significance.

NM_001171613.2(PREPL):c.1300G>A (p.Gly434Ser)

Gene: PREPL (prolyl endopeptidase like; minus strand). Cytogenetic location: 2p21.
Variant type: single nucleotide variant.
Coding change: c.1300G>A on transcript NM_001171613.2 (MANE Select); coding-DNA position 1300, G replaced by A.
Protein change: p.Gly434Ser; replaces glycine 434 with serine.
Molecular consequence: missense variant.
Genome position (GRCh38, 1-based): chr2:44,326,891, C>T on the plus strand (G>A on the coding strand, the complement: PREPL is on the minus strand). VCF-style: chr2-44326891-C-T. GRCh37 (hg19) VCF-style: chr2-44554030-C-T.
Other names: c.1567G>A, p.Gly523Ser (NM_006036.4, NM_001171603.1, NM_001171606.2 and 2 more transcripts); c.1381G>A, p.Gly461Ser (NM_001042385.2); c.1369G>A, p.Gly457Ser (NM_001042386.2); c.1300G>A, p.Gly434Ser (NM_001171617.1, NM_001374277.1); short protein forms G434S, G461S, G457S, G523S.
Identifiers: ClinVar variation 859290 (VCV000859290.7), dbSNP rs1240292748, ClinGen allele CA346689738.
Genomic context (GRCh38, chr2:44,326,891, plus strand): 5'-GAAGCGTCTTAATGCAAGCCTCTAAATCAGCAAGGCCATTGAGTTTTTTAGTTAGGCGGC[C>T]ATCAGCGTGCCACTGGAGGCCTAACTCACCACCACCTCTGAAATTGAAGGGCAAAAAAGT-3'
Protein context (NP_001165084.1, residues 424-444): GELGLQWHAD[Gly434Ser]RLTKKLNGLA